The following is an entry in ClinVar:

ClinVar aggregate classification (germline): Uncertain significance. Review status: criteria provided, multiple submitters, no conflicts (2 of 4 stars). 2 submissions from 2 submitters: Uncertain significance (2). Last evaluated 2023-10-19.

Allele frequency attached by ClinVar (database versions not stated): gnomAD exomes below 0.00001; TOPMed below 0.00001.
gnomAD v4.1: 2 of 1,614,120 alleles (0.00012%); highest among the groups gnomAD compares: Middle Eastern, 0.016%; no homozygotes.

Submissions (2):

GeneDx
Classification: Uncertain significance. Last evaluated: 2023-10-19. Review status: criteria provided, single submitter. Criteria: GeneDx Variant Classification Process June 2021. Collection method: clinical testing. Allele origin: germline. Affected: yes.
Comment: Not observed at significant frequency in large population cohorts (gnomAD); In silico analysis supports that this missense variant does not alter protein structure/function; Has not been previously published as pathogenic or benign to our knowledge

Blueprint Genetics
Classification: Uncertain significance. Last evaluated: 2021-10-12. Review status: criteria provided, single submitter. Criteria: ACMG Guidelines, 2015. Collection method: clinical testing. Allele origin: germline.

NM_000091.5(COL4A3):c.4067T>G (p.Leu1356Arg)

Genes: COL4A3 (collagen type IV alpha 3 chain; plus strand), MFF-DT (MFF divergent transcript; minus strand). Cytogenetic location: 2q36.3.
Variant type: single nucleotide variant.
Coding change: c.4067T>G on transcript NM_000091.5 (MANE Select); coding-DNA position 4067, T replaced by G.
Protein change: p.Leu1356Arg; replaces leucine 1356 with arginine.
Molecular consequence: missense variant.
Genome position (GRCh38, 1-based): chr2:227,304,058, T>G. VCF-style: chr2-227304058-T-G. GRCh37 (hg19) VCF-style: chr2-228168774-T-G.
Other names: short protein forms L1356R.
Identifiers: ClinVar variation 3252741 (VCV003252741.2), dbSNP rs2073402443.